The following is an entry in ClinVar:

ClinVar aggregate classification (germline): Uncertain significance (1 of 4 stars; one submission).

Conditions:
Acrocallosal syndrome (ACLS). Also called: HALLUX DUPLICATION, POSTAXIAL POLYDACTYLY, AND ABSENCE OF CORPUS CALLOSUM; Schinzel syndrome 1; Absence of corpus callosum with unusual facial appearance, mental deficiency, duplication of the halluces and polydactyly. Identifiers: Orphanet 36, MedGen C0796147, MONDO:0008708, OMIM 200990.

Allele frequency attached by ClinVar (database versions not stated): gnomAD exomes below 0.00001; TOPMed below 0.00001; gnomAD 0.00001.
gnomAD v4.1: 6 of 1,551,686 alleles (0.00039%); highest among the groups gnomAD compares: Non-Finnish European, 0.00052%; no homozygotes.

Submission:

Labcorp Genetics (formerly Invitae), Labcorp
Classification: Uncertain significance for Acrocallosal syndrome. Last evaluated: 2022-01-17. Review status: criteria provided, single submitter. Criteria: Invitae Variant Classification Sherloc (09022015). Collection method: clinical testing. Allele origin: germline.
Comment: This sequence change replaces threonine, which is neutral and polar, with isoleucine, which is neutral and non-polar, at codon 161 of the KIF7 protein (p.Thr161Ile). This variant is not present in population databases (gnomAD no frequency). This variant has not been reported in the literature in individuals affected with KIF7-related conditions. Algorithms developed to predict the effect of missense changes on protein structure and function are either unavailable or do not agree on the potential impact of this missense change (SIFT: "Deleterious"; PolyPhen-2: "Probably Damaging"; Align-GVGD: "Class C0"). In summary, the available evidence is currently insufficient to determine the role of this variant in disease. Therefore, it has been classified as a Variant of Uncertain Significance.

NM_198525.3(KIF7):c.482C>T (p.Thr161Ile)

Gene: KIF7 (kinesin family member 7; minus strand). Cytogenetic location: 15q26.1.
Variant type: single nucleotide variant.
Coding change: c.482C>T on transcript NM_198525.3 (MANE Select); coding-DNA position 482, C replaced by T.
Protein change: p.Thr161Ile; replaces threonine 161 with isoleucine.
Molecular consequence: missense variant.
Genome position (GRCh38, 1-based): chr15:89,649,788, G>A on the plus strand (C>T on the coding strand, the complement: KIF7 is on the minus strand). VCF-style: chr15-89649788-G-A. GRCh37 (hg19) VCF-style: chr15-90193019-G-A.
Other names: short protein forms T161I.
Identifiers: ClinVar variation 2087130 (VCV002087130.4), dbSNP rs1057435113, ClinGen allele CA274583098.